The following is an entry in ClinVar:

ClinVar aggregate classification (germline): Uncertain significance (1 of 4 stars; one submission).

Conditions:
Epilepsy, childhood absence, susceptibility to, 1. Also called: Epilepsy, childhood absence 1. Identifiers: Orphanet 64280, MedGen C1838604, MONDO:0020759, OMIM 600131.
Epilepsy, childhood absence, susceptibility to, 5. Identifiers: Orphanet 64280, MedGen C2677087, MONDO:0012843, OMIM 612269.

Submission:

Labcorp Genetics (formerly Invitae), Labcorp
Classification: Uncertain significance for Epilepsy, childhood absence, susceptibility to, 5; Epilepsy, childhood absence, susceptibility to, 1. Last evaluated: 2017-10-31. Review status: criteria provided, single submitter. Criteria: Invitae Variant Classification Sherloc (09022015). Collection method: clinical testing. Allele origin: germline.
Comment: This sequence change replaces lysine with glutamic acid at codon 304 of the GABRB3 protein (p.Lys304Glu). The lysine residue is highly conserved and there is a small physicochemical difference between lysine and glutamic acid. This variant is not present in population databases (ExAC no frequency). This variant has not been reported in the literature in individuals with GABRB3-related disease. Algorithms developed to predict the effect of missense changes on protein structure and function do not agree on the potential impact of this missense change (SIFT: "Deleterious"; PolyPhen-2: "Probably Damaging"; Align-GVGD: "Class C0"). In summary, the available evidence is currently insufficient to determine the role of this variant in disease. Therefore, it has been classified as a Variant of Uncertain Significance.

NM_000814.6(GABRB3):c.910A>G (p.Lys304Glu)

Gene: GABRB3 (gamma-aminobutyric acid type A receptor subunit beta3; minus strand). Cytogenetic location: 15q12.
Variant type: single nucleotide variant.
Coding change: c.910A>G on transcript NM_000814.6 (MANE Select); coding-DNA position 910, A replaced by G.
Protein change: p.Lys304Glu; replaces lysine 304 with glutamic acid.
Molecular consequence: missense variant.
Genome position (GRCh38, 1-based): chr15:26,561,102, T>C on the plus strand (A>G on the coding strand, the complement: GABRB3 is on the minus strand). VCF-style: chr15-26561102-T-C. GRCh37 (hg19) VCF-style: chr15-26806249-T-C.
Other names: c.655A>G, p.Lys219Glu (NM_001191320.2, NM_001278631.2); c.697A>G, p.Lys233Glu (NM_001191321.3); c.910A>G, p.Lys304Glu (NM_021912.5); short protein forms K304E, K233E, K219E.
Identifiers: ClinVar variation 537287 (VCV000537287.8), dbSNP rs1555401426, ClinGen allele CA391462123.